The following is an entry in ClinVar:

ClinVar aggregate classification (germline): Uncertain significance. Review status: criteria provided, multiple submitters, no conflicts (2 of 4 stars). 2 submissions from 2 submitters: Uncertain significance (2). Last evaluated 2024-07-02.

Conditions:
Hereditary cancer-predisposing syndrome. Also called: Hereditary Cancer Syndrome; Hereditary neoplastic syndrome; Neoplastic Syndromes, Hereditary; Tumor predisposition. Identifiers: Orphanet 140162, MedGen C0027672, MeSH D009386, MONDO:0015356.
DICER1-related tumor predisposition. Also called: DICER1-related pleuropulmonary blastoma cancer predisposition syndrome; DICER1 syndrome. Identifiers: Orphanet 284343, MedGen C3839822, MONDO:0100216.

Submissions (2):

Ambry Genetics
Classification: Uncertain significance for Hereditary cancer-predisposing syndrome. Last evaluated: 2024-07-02. Review status: criteria provided, single submitter. Criteria: Ambry Variant Classification Scheme 2023. Collection method: clinical testing. Allele origin: germline.
Comment: The p.D1476V variant (also known as c.4427A>T), located in coding exon 22 of the DICER1 gene, results from an A to T substitution at nucleotide position 4427. The aspartic acid at codon 1476 is replaced by valine, an amino acid with highly dissimilar properties. This amino acid position is conserved. In addition, this alteration is predicted to be deleterious by in silico analysis. Based on the available evidence, the clinical significance of this variant remains unclear.

Labcorp Genetics (formerly Invitae), Labcorp
Classification: Uncertain significance for DICER1-related tumor predisposition. Last evaluated: 2024-02-29. Review status: criteria provided, single submitter. Criteria: Invitae Variant Classification Sherloc (09022015). Collection method: clinical testing. Allele origin: germline.
Comment: This sequence change replaces aspartic acid, which is acidic and polar, with valine, which is neutral and non-polar, at codon 1476 of the DICER1 protein (p.Asp1476Val). This variant is not present in population databases (gnomAD no frequency). This variant has not been reported in the literature in individuals affected with DICER1-related conditions. An algorithm developed to predict the effect of missense changes on protein structure and function (PolyPhen-2) suggests that this variant is likely to be disruptive. In summary, the available evidence is currently insufficient to determine the role of this variant in disease. Therefore, it has been classified as a Variant of Uncertain Significance.

NM_177438.3(DICER1):c.4427A>T (p.Asp1476Val)

Gene: DICER1 (dicer 1, ribonuclease III; minus strand). Cytogenetic location: 14q32.13.
Variant type: single nucleotide variant.
Coding change: c.4427A>T on transcript NM_177438.3 (MANE Select); coding-DNA position 4427, A replaced by T.
Protein change: p.Asp1476Val; replaces aspartic acid 1476 with valine.
Molecular consequence: missense variant. On other transcripts: non-coding transcript variant (6).
Genome position (GRCh38, 1-based): chr14:95,096,493, T>A on the plus strand (A>T on the coding strand, the complement: DICER1 is on the minus strand). VCF-style: chr14-95096493-T-A. GRCh37 (hg19) VCF-style: chr14-95562830-T-A.
Other names: c.4427A>T, p.Asp1476Val (NM_001195573.1, NM_001271282.3, NM_001291628.2 and 12 more transcripts); c.4145A>T, p.Asp1382Val (NM_001395686.1); c.4022A>T, p.Asp1341Val (NM_001395687.1, NM_001395688.1, NM_001395689.1 and 2 more transcripts); c.3860A>T, p.Asp1287Val (NM_001395691.1); c.2744A>T, p.Asp915Val (NM_001395697.1); short protein forms D1287V, D915V, D1341V, D1382V, D1476V.
Identifiers: ClinVar variation 3501841 (VCV003501841.3).